The following is an entry in ClinVar:

ClinVar aggregate classification (germline): Uncertain significance. Review status: criteria provided, multiple submitters, no conflicts (2 of 4 stars). 2 submissions from 2 submitters: Uncertain significance (2). Last evaluated 2025-07-06.

Allele frequency attached by ClinVar (database versions not stated): TOPMed 0.00008; gnomAD 0.00011; gnomAD exomes 0.00011 and 0.00014; ESP Exome Variant Server 0.00015; ExAC 0.00018.
gnomAD v4.1: 181 of 1,604,300 alleles (0.011%); highest among the groups gnomAD compares: Non-Finnish European, 0.014%; no homozygotes.

Submissions (2):

Labcorp Genetics (formerly Invitae), Labcorp
Classification: Uncertain significance. Last evaluated: 2025-07-06. Review status: criteria provided, single submitter. Criteria: Invitae Variant Classification Sherloc (09022015). Collection method: clinical testing. Allele origin: germline.
Comment: This sequence change replaces isoleucine, which is neutral and non-polar, with valine, which is neutral and non-polar, at codon 49 of the IL12RB2 protein (p.Ile49Val). This variant is present in population databases (rs139104582, gnomAD 0.02%). This variant has not been reported in the literature in individuals affected with IL12RB2-related conditions. ClinVar contains an entry for this variant (Variation ID: 1433173). An algorithm developed to predict the effect of missense changes on protein structure and function outputs the following: PolyPhen-2: "Possibly Damaging". The valine amino acid residue is found in multiple mammalian species, which suggests that this missense change does not adversely affect protein function. In summary, the available evidence is currently insufficient to determine the role of this variant in disease. Therefore, it has been classified as a Variant of Uncertain Significance.

Ambry Genetics
Classification: Uncertain significance. Last evaluated: 2024-03-18. Review status: criteria provided, single submitter. Criteria: Ambry Variant Classification Scheme 2023. Collection method: clinical testing. Allele origin: germline.

NM_001374259.2(IL12RB2):c.145A>G (p.Ile49Val)

Gene: IL12RB2 (interleukin 12 receptor subunit beta 2; plus strand). Cytogenetic location: 1p31.3.
Variant type: single nucleotide variant.
Coding change: c.145A>G on transcript NM_001374259.2 (MANE Select); coding-DNA position 145, A replaced by G.
Protein change: p.Ile49Val; replaces isoleucine 49 with valine.
Molecular consequence: missense variant. On other transcripts: non-coding transcript variant (2).
Genome position (GRCh38, 1-based): chr1:67,321,670, A>G. VCF-style: chr1-67321670-A-G. GRCh37 (hg19) VCF-style: chr1-67787353-A-G.
Other names: c.145A>G, p.Ile49Val (NM_001258214.1, NM_001258215.1, NM_001258216.1 and 2 more transcripts); c.145A>G (NM_001559.2); short protein forms I49V.
Identifiers: ClinVar variation 1433173 (VCV001433173.7), dbSNP rs139104582, ClinGen allele CA900127.
Genomic context (GRCh38, chr1:67,321,670, plus strand): 5'-AAGAGAGGCGATGTGACTGTGAAGCCTTCCCATGTAATTTTACTTGGATCCACTGTCAAT[A>G]TTACATGCTCTTTGAAGCCCAGACAAGGCTGCTTTCACTATTCCAGACGTAACAAGTTAA-3'
Protein context (NP_001361188.1, residues 39-59): HVILLGSTVN[Ile49Val]TCSLKPRQGC